The following is an entry in ClinVar:

NM_000542.5(SFTPB):c.403G>A (p.Gly135Ser)

Gene: SFTPB (surfactant protein B; minus strand). Cytogenetic location: 2p11.2.
Variant type: single nucleotide variant.
Coding change: c.403G>A on transcript NM_000542.5 (MANE Select); coding-DNA position 403, G replaced by A.
Protein change: p.Gly135Ser; replaces glycine 135 with serine.
Molecular consequence: missense variant.
Genome position (GRCh38, 1-based): chr2:85,665,785, C>T on the plus strand (G>A on the coding strand, the complement: SFTPB is on the minus strand). VCF-style: chr2-85665785-C-T. GRCh37 (hg19) VCF-style: chr2-85892908-C-T.
Other names: c.403G>A, p.Gly135Ser (NM_001367281.2, NM_198843.4); short protein forms G135S.
Identifiers: ClinVar variation 593184 (VCV000593184.48), dbSNP rs35373464, ClinGen allele CA1744041.
Genomic context (GRCh38, chr2:85,665,785, plus strand): 5'-CTGGCTCCTGCTCTGGCTCTGGCTGCCGGGATTTGCACAGGCCCAGGTGCATACAGATGC[C>T]GTTTGAGTCCTGGGGCACAGCACAGGGTGGGAGTGTTAGGGTCTGGGAGGGAAGCCCACC-3'
Protein context (NP_000533.4, residues 125-145): DYFQNQTDSN[Gly135Ser]ICMHLGLCKS

ClinVar aggregate classification (germline): Conflicting classifications of pathogenicity. Review status: criteria provided, conflicting classifications (1 of 4 stars). 8 submissions from 8 submitters: Uncertain significance (2); Benign (1); Likely benign (4). 1 of the submissions does not count toward it. Last evaluated 2025-12-10.

Conditions:
SFTPB-related disorder. Also called: SFTPB-related condition.
Hereditary pulmonary alveolar proteinosis. Also called: Pulmonary surfactant metabolism dysfunction. Identifiers: Orphanet 264675, MedGen C3711368, MONDO:0012580.
Surfactant metabolism dysfunction, pulmonary, 1. Also called: INTERSTITIAL LUNG DISEASE DUE TO SURFACTANT PROTEIN B DEFICIENCY; INTERSTITIAL LUNG DISEASE, NONSPECIFIC, DUE TO SURFACTANT PROTEIN B DEFICIENCY; PULMONARY ALVEOLAR PROTEINOSIS, CONGENITAL, 1; Pulmonary surfactant protein B, deficiency of; Neonatal acute respiratory distress due to SP-B deficiency. Identifiers: Orphanet 217563, MedGen C1968602, MONDO:0009929, OMIM 265120.

Allele frequency attached by ClinVar (database versions not stated): 1000 Genomes Project 30x 0.00094; 1000 Genomes Project 0.00100; gnomAD exomes 0.00174; ExAC 0.00186; TOPMed 0.00238; ESP Exome Variant Server 0.00246; gnomAD 0.00247 and 0.00256.
gnomAD v4.1: 3,829 of 1,614,148 alleles (0.24%); highest among the groups gnomAD compares: African/African-American, 0.34%; 6 homozygotes.

Submissions (8):

Labcorp Genetics (formerly Invitae), Labcorp
Classification: Benign. Last evaluated: 2025-12-10. Review status: criteria provided, single submitter. Criteria: Invitae Variant Classification Sherloc (09022015). Collection method: clinical testing. Allele origin: germline.

PreventionGenetics, part of Exact Sciences
Classification: Likely benign for SFTPB-related condition. Last evaluated: 2025-05-28. Review status: criteria provided, single submitter. Criteria: ACMG Guidelines, 2015. Collection method: clinical testing. Allele origin: germline.
Comment: This variant is classified as likely benign based on ACMG/AMP sequence variant interpretation guidelines (Richards et al. 2015 PMID: 25741868, with internal and published modifications).

Blueprint Genetics
Classification: Likely benign. Last evaluated: 2024-10-25. Review status: criteria provided, single submitter. Criteria: ACMG Guidelines, 2015. Collection method: clinical testing. Allele origin: germline.

CeGaT Center for Human Genetics Tuebingen
Classification: Likely benign. Last evaluated: 2022-05-01. Review status: criteria provided, single submitter. Criteria: CeGaT Center For Human Genetics Tuebingen Variant Classification Criteria Version 2. Collection method: clinical testing. Allele origin: germline. Affected: yes. Observed: 1 variant allele.
Comment: SFTPB: BP4

Ambry Genetics
Classification: Likely benign for Hereditary pulmonary alveolar proteinosis. Last evaluated: 2018-01-17. Review status: criteria provided, single submitter. Criteria: Ambry Variant Classification Scheme 2023. Collection method: clinical testing. Allele origin: germline.

Eurofins Ntd Llc (ga)
Classification: Uncertain significance. Last evaluated: 2017-07-25. Review status: criteria provided, single submitter. Criteria: EGL Classification Definitions 2015. Collection method: clinical testing. Allele origin: germline. Observed: 1 variant allele, 1 heterozygote.

Illumina Laboratory Services, Illumina
Classification: Uncertain significance for Surfactant metabolism dysfunction, pulmonary, 1. Last evaluated: 2017-04-27. Review status: criteria provided, single submitter. Criteria: ICSL Variant Classification Criteria 13 December 2019. Collection method: clinical testing. Allele origin: germline.
Comment: This variant was observed as part of a predisposition screen in an ostensibly healthy population. A literature search was performed for the gene, cDNA change, and amino acid change (where applicable). Publications were found based on this search. However, the evidence from the literature, in combination with allele frequency data from public databases where available, was not sufficient to rule this variant in or out of causing disease. Therefore, this variant is classified as a variant of unknown significance.

Department of Pathology and Laboratory Medicine, Sinai Health System
Classification: Uncertain significance. Review status: no assertion criteria provided. Collection method: clinical testing. Allele origin: unknown. Affected: yes. Study: The Canadian Open Genetics Repository (COGR). Not counted in ClinVar's aggregate classification.

Literature cited by the submitters: PubMed 9506635 (cited by Ambry Genetics and Illumina Laboratory Services, Illumina).